The following is an entry in ClinVar:

ClinVar aggregate classification (germline): Likely benign (0 of 4 stars; one submission).

Conditions:
WDR48-related disorder. Also called: WDR48-related condition.

Allele frequency attached by ClinVar (database versions not stated): ExAC 0.00033; TOPMed 0.00034; gnomAD 0.00037; ESP Exome Variant Server 0.00039; gnomAD exomes 0.00073.
gnomAD v4.1: 1,072 of 1,526,740 alleles (0.07%); highest among the groups gnomAD compares: Non-Finnish European, 0.086%; 1 homozygote.

Submission:

PreventionGenetics, part of Exact Sciences
Classification: Likely benign for WDR48-related condition. Last evaluated: 2024-02-20. Review status: no assertion criteria provided. Collection method: clinical testing. Allele origin: germline.
Comment: This variant is classified as likely benign based on ACMG/AMP sequence variant interpretation guidelines (Richards et al. 2015 PMID: 25741868, with internal and published modifications).

NM_020839.4(WDR48):c.1076-6C>T

Gene: WDR48 (WD repeat domain 48; plus strand). Cytogenetic location: 3p22.2.
Variant type: single nucleotide variant.
Coding change: c.1076-6C>T on transcript NM_020839.4 (MANE Select); 6 bases into the intron before coding-DNA position 1076, C replaced by T.
Molecular consequence: intron variant.
Genome position (GRCh38, 1-based): chr3:39,079,705, C>T. VCF-style: chr3-39079705-C-T. GRCh37 (hg19) VCF-style: chr3-39121196-C-T.
Other names: c.1190-6C>T (NM_001346225.2); c.551-6C>T (NM_001346227.2); c.1049-6C>T (NM_001303403.2); c.905-6C>T (NM_001346226.2); c.830-6C>T (NM_001303402.2); c.866-6C>T (NM_001346228.2).
Identifiers: ClinVar variation 3057311 (VCV003057311.2), dbSNP rs368377338, ClinGen allele CA2323158.